The following is an entry in ClinVar:

NM_001168235.2(FREM3):c.2067C>T (p.His689=)

Gene: FREM3 (FRAS1 related extracellular matrix 3; minus strand). Cytogenetic location: 4q31.21.
Variant type: single nucleotide variant.
Coding change: c.2067C>T on transcript NM_001168235.2 (MANE Select); coding-DNA position 2067, C replaced by T.
Protein change: p.His689=; no amino-acid change (histidine 689 retained).
Molecular consequence: synonymous variant.
Genome position (GRCh38, 1-based): chr4:143,698,609, G>A on the plus strand (C>T on the coding strand, the complement: FREM3 is on the minus strand). VCF-style: chr4-143698609-G-A. GRCh37 (hg19) VCF-style: chr4-144619762-G-A.
Identifiers: ClinVar variation 2655105 (VCV002655105.24), dbSNP rs1240107906, ClinGen allele CA441714246.

ClinVar aggregate classification (germline): Likely benign (1 of 4 stars; one submission).

Allele frequency attached by ClinVar (database versions not stated): gnomAD exomes below 0.00001.
gnomAD v4.1: 2 of 1,537,858 alleles (0.00013%); highest among the groups gnomAD compares: Non-Finnish European, 0.00017%; no homozygotes.

Submission:

CeGaT Center for Human Genetics Tuebingen
Classification: Likely benign. Last evaluated: 2022-07-01. Review status: criteria provided, single submitter. Criteria: CeGaT Center For Human Genetics Tuebingen Variant Classification Criteria Version 2. Collection method: clinical testing. Allele origin: germline. Affected: yes. Observed: 1 variant allele.
Comment: FREM3: BP4, BP7